The following is an entry in ClinVar:

ClinVar aggregate classification (germline): Uncertain significance (1 of 4 stars; one submission).

Conditions:
Neurodevelopmental disorder with dysmorphic facies, sleep disturbance, and brain abnormalities. Identifiers: MedGen C5436821, MONDO:0030852, OMIM 619103.

Submission:

Centro Nacional de Genética Medica, Administración Nacional de Laboratorios e Institutos de Salud (ANLIS) “Dr. Carlos G Malbrán”
Classification: Uncertain significance for Neurodevelopmental disorder with dysmorphic facies, sleep disturbance, and brain abnormalities. Last evaluated: 2026-01-22. Review status: criteria provided, single submitter. Criteria: ACMG Guidelines, 2015. Collection method: clinical testing. Allele origin: germline. Affected: yes. Observed: 1 variant allele.
Comment: The KAT5 variant NM_182710.3 c.1064G>A (p.Cys355Tyr) at genomic position chr11:65716701 in heterozygosity corresponds to a missense mutation in the coding sequence of exon 9/13 of the KAT5 gene, resulting in the substitution of the amino acid cysteine (small, polar, and uncharged) with tyrosine (polar and uncharged, but with a p-hydroxybenzyl side chain). The variant is located in the functional domain MOZ_SAS (amino acids 288 to 471; PF01853); this region has been suggested to be homologous to acetyltransferases. There are two reports of missense variants in this domain, classified as pathogenic or probably pathogenic and related to this pathology (Variations ID: 987965; 987966) (PM1). This variant is absent from population databases such as GnomAD, ExAc, or 1000 Genomes (PM2_Supporting). This gene has a Z-score of 3.75, suggesting a higher number of observed missense variants than expected, according to the GnomAD database (Genome Aggregation Database: gnomAD v4.1.0™). However, the findings of pathogenic variants reported to date are scarce, with most being variants of uncertain significance (70 VUS variants, 4 pathogenic variants, and 3 benign variants). Although the phenotype observed in the patient suggests NEDFASB syndrome, it should be noted that studies and publications on this gene are limited. Therefore, periodic re-evaluation of the variant is recommended to determine if there are any changes in its classification. Based on the above and following the international guidelines of the American College of Medical Genetics (ACMG) the c.1064G>A variant identified in heterozygosity in the KAT5 gene is classified as Variant of Uncertain Significance (VUS) (PM1, PM2_Supporting).

NM_182710.3(KAT5):c.1064G>A (p.Cys355Tyr)

Gene: KAT5 (lysine acetyltransferase 5; plus strand). Cytogenetic location: 11q13.1.
Variant type: single nucleotide variant.
Coding change: c.1064G>A on transcript NM_182710.3 (MANE Select); coding-DNA position 1064, G replaced by A.
Protein change: p.Cys355Tyr; replaces cysteine 355 with tyrosine.
Molecular consequence: missense variant.
Genome position (GRCh38, 1-based): chr11:65,716,701, G>A. VCF-style: chr11-65716701-G-A. GRCh37 (hg19) VCF-style: chr11-65484172-G-A.
Other names: c.908G>A, p.Cys303Tyr (NM_001206833.2); c.965G>A, p.Cys322Tyr (NM_006388.4); c.809G>A, p.Cys270Tyr (NM_182709.3); short protein forms C270Y, C303Y, C322Y, C355Y.
Identifiers: ClinVar variation 4871685 (VCV004871685.1).